The following is an entry in ClinVar:

ClinVar aggregate classification (germline): Uncertain significance. Review status: criteria provided, multiple submitters, no conflicts (2 of 4 stars). 6 submissions from 6 submitters: Uncertain significance (6). Last evaluated 2026-02-11.

Conditions:
ANKRD26-related disorder. Also called: ANKRD26-related condition.
Thrombocytopenia 2 (THC2). Also called: ANKRD26-Related Thrombocytopenia. Identifiers: Orphanet 268322, MedGen C1861185, MONDO:0008555, OMIM 188000.
Inborn genetic diseases. Identifiers: MedGen C0950123, MeSH D030342.

Allele frequency attached by ClinVar (database versions not stated): ExAC 0.00002; gnomAD exomes 0.00003 and 0.00009; ESP Exome Variant Server 0.00017.
gnomAD v4.1: 142 of 1,612,982 alleles (0.0088%); highest among the groups gnomAD compares: Non-Finnish European, 0.011%; no homozygotes.

Submissions (6):

St. Jude Molecular Pathology, St. Jude Children's Research Hospital
Classification: Uncertain significance for Thrombocytopenia 2. Last evaluated: 2026-02-11. Review status: criteria provided, single submitter. Criteria: St. Jude Assertion Criteria 2020. Collection method: clinical testing. Allele origin: germline.
Comment: The ANKRD26 c.1790G>C p.(Arg597Thr) missense change has a maximum subpopulation frequency of 0.008% in gnomAD v2.1.1. This variant is not located in the 5' UTR. The in silico tool REVEL predicts a benign effect on protein function, but to our knowledge this prediction has not been confirmed by functional studies. To our knowledge, this variant has not been reported in the literature in individuals with ANKRD26-related thrombocytopenia. In summary, the evidence currently available is insufficient to determine the clinical significance of this variant. It has therefore been classified as of uncertain significance.

Ambry Genetics
Classification: Uncertain significance for Inborn genetic diseases. Last evaluated: 2024-11-26. Review status: criteria provided, single submitter. Criteria: Ambry Variant Classification Scheme 2023. Collection method: clinical testing. Allele origin: germline.
Comment: The p.R597T variant (also known as c.1790G>C), located in coding exon 17 of the ANKRD26 gene, results from a G to C substitution at nucleotide position 1790. The arginine at codon 597 is replaced by threonine, an amino acid with similar properties. This amino acid position is conserved. In addition, this alteration is predicted to be tolerated by in silico analysis. Based on the available evidence, the clinical significance of this variant remains unclear.

PreventionGenetics, part of Exact Sciences
Classification: Uncertain significance for ANKRD26-related condition. Last evaluated: 2023-08-08. Review status: criteria provided, single submitter. Criteria: ACMG Guidelines, 2015. Collection method: clinical testing. Allele origin: germline.
Comment: The ANKRD26 c.1790G>C variant is predicted to result in the amino acid substitution p.Arg597Thr. To our knowledge, this variant has not been reported in the literature. This variant is reported in 0.0087% of alleles in individuals of European (Non-Finnish) descent in gnomAD. At this time, the clinical significance of this variant is uncertain due to the absence of conclusive functional and genetic evidence.

GeneDx
Classification: Uncertain significance. Last evaluated: 2023-07-05. Review status: criteria provided, single submitter. Criteria: GeneDx Variant Classification Process June 2021. Collection method: clinical testing. Allele origin: germline. Affected: yes.
Comment: In silico analysis supports that this missense variant does not alter protein structure/function; Has not been previously published as pathogenic or benign to our knowledge

Labcorp Genetics (formerly Invitae), Labcorp
Classification: Uncertain significance. Last evaluated: 2023-03-04. Review status: criteria provided, single submitter. Criteria: Invitae Variant Classification Sherloc (09022015). Collection method: clinical testing. Allele origin: germline.
Comment: This variant has not been reported in the literature in individuals affected with ANKRD26-related conditions. This sequence change replaces arginine, which is basic and polar, with threonine, which is neutral and polar, at codon 597 of the ANKRD26 protein (p.Arg597Thr). This variant is present in population databases (rs370413541, gnomAD 0.008%). ClinVar contains an entry for this variant (Variation ID: 1193048). Algorithms developed to predict the effect of missense changes on protein structure and function output the following: SIFT: "Not Available"; PolyPhen-2: "Benign"; Align-GVGD: "Not Available". The threonine amino acid residue is found in multiple mammalian species, which suggests that this missense change does not adversely affect protein function. In summary, the available evidence is currently insufficient to determine the role of this variant in disease. Therefore, it has been classified as a Variant of Uncertain Significance.

Genetic Services Laboratory, University of Chicago
Classification: Uncertain significance. Last evaluated: 2021-01-25. Review status: criteria provided, single submitter. Criteria: ACMG Guidelines, 2015. Collection method: clinical testing. Allele origin: germline. Affected: no.
Comment: This sequence change does not appear to have been previously described in patients with ANKRD26-related disorders and has been described in the gnomAD database with a low population frequency of 0.0087% in non-Finnish European subpoulation (dbSNP rs370413541). The p.Arg597Thr change affects a moderately conserved amino acid residue located in a domain of the ANKRD26 protein that is not known to be functional. The p.Arg597Thr substitution appears to be benign using several in-silico pathogenicity prediction tools (SIFT, PolyPhen2, Align GVGD, REVEL). Due to these contrasting evidences and the lack of functional studies, the clinical significance of the p.Arg597Thr change remains unknown at this time.

NM_014915.3(ANKRD26):c.1790G>C (p.Arg597Thr)

Gene: ANKRD26 (ankyrin repeat domain 26; minus strand). Cytogenetic location: 10p12.1.
Variant type: single nucleotide variant.
Coding change: c.1790G>C on transcript NM_014915.3 (MANE Select); coding-DNA position 1790, G replaced by C.
Protein change: p.Arg597Thr; replaces arginine 597 with threonine.
Molecular consequence: missense variant.
Genome position (GRCh38, 1-based): chr10:27,048,825, C>G on the plus strand (G>C on the coding strand, the complement: ANKRD26 is on the minus strand). VCF-style: chr10-27048825-C-G. GRCh37 (hg19) VCF-style: chr10-27337754-C-G.
Other names: c.1790G>C, p.Arg597Thr (NM_001256053.2); short protein forms R597T.
Identifiers: ClinVar variation 1193048 (VCV001193048.13), dbSNP rs370413541, ClinGen allele CA5448411.